The following is an entry in ClinVar:

ClinVar aggregate classification (germline): Uncertain significance (1 of 4 stars; one submission).

Submission:

Labcorp Genetics (formerly Invitae), Labcorp
Classification: Uncertain significance. Last evaluated: 2025-04-18. Review status: criteria provided, single submitter. Criteria: Invitae Variant Classification Sherloc (09022015). Collection method: clinical testing. Allele origin: germline.
Comment: This sequence change replaces tryptophan, which is neutral and slightly polar, with cysteine, which is neutral and slightly polar, at codon 1158 of the TUBGCP6 protein (p.Trp1158Cys). This variant is not present in population databases (gnomAD no frequency). This variant has not been reported in the literature in individuals affected with TUBGCP6-related conditions. Experimental studies and prediction algorithms are not available or were not evaluated, and the functional significance of this variant is currently unknown. In summary, the available evidence is currently insufficient to determine the role of this variant in disease. Therefore, it has been classified as a Variant of Uncertain Significance.

NM_020461.4(TUBGCP6):c.3474G>C (p.Trp1158Cys)

Gene: TUBGCP6 (tubulin gamma complex component 6; minus strand). Cytogenetic location: 22q13.33.
Variant type: single nucleotide variant.
Coding change: c.3474G>C on transcript NM_020461.4 (MANE Select); coding-DNA position 3474, G replaced by C.
Protein change: p.Trp1158Cys; replaces tryptophan 1158 with cysteine.
Molecular consequence: missense variant.
Genome position (GRCh38, 1-based): chr22:50,220,885, C>G on the plus strand (G>C on the coding strand, the complement: TUBGCP6 is on the minus strand). VCF-style: chr22-50220885-C-G. GRCh37 (hg19) VCF-style: chr22-50659314-C-G.
Other names: short protein forms W1158C.
Identifiers: ClinVar variation 4764494 (VCV004764494.1).